The following is an entry in ClinVar:

NM_000169.3(GLA):c.133C>T (p.Leu45=)

Genes: GLA (galactosidase alpha; minus strand), RPL36A-HNRNPH2 (RPL36A-HNRNPH2 readthrough; plus strand). Cytogenetic location: Xq22.1.
Variant type: single nucleotide variant.
Coding change: c.133C>T on transcript NM_000169.3 (MANE Select); coding-DNA position 133, C replaced by T.
Protein change: p.Leu45=; no amino-acid change (leucine 45 retained).
Molecular consequence: synonymous variant. On other transcripts: non-coding transcript variant (3), intron variant (2).
Genome position (GRCh38, 1-based): chrX:101,407,771, G>A on the plus strand (C>T on the coding strand, the complement: GLA is on the minus strand). VCF-style: chrX-101407771-G-A. GRCh37 (hg19) VCF-style: chrX-100662759-G-A.
Other names: c.133C>T, p.Leu45= (NM_001406747.1, NM_001406748.1, NM_001406749.1); c.301-4165G>A (NM_001199973.2); c.178-4165G>A (NM_001199974.2).
Identifiers: ClinVar variation 512829 (VCV000512829.16), dbSNP rs143084761, ClinGen allele CA029990.
Genomic context (GRCh38, chrX:101,407,771, plus strand): 5'-TGATGCAGGAATCTGGCTCTTCCTGGCAGTCAAGGTTGCACATGAAGCGCTCCCAGTGCA[G>A]CCAGCCCATGGTAGGCGTCCTTGCCAATCCATTGTCCAGTGCTCTAGCCCCAGGGATGTC-3'
Protein context (NP_000160.1, residues 35-55): GLARTPTMGW[Leu45=]HWERFMCNLD

ClinVar aggregate classification (germline): Likely benign. Review status: criteria provided, multiple submitters, no conflicts (2 of 4 stars). 5 submissions from 5 submitters: Likely benign (5). Last evaluated 2025-01-16.

Conditions:
Cardiovascular phenotype. Identifiers: MedGen CN230736.
Fabry disease. Also called: Fabry's disease; Angiokeratoma corporis diffusum; ALPHA-GALACTOSIDASE A DEFICIENCY; ANDERSON-FABRY DISEASE; CERAMIDE TRIHEXOSIDASE DEFICIENCY; GLA DEFICIENCY. Identifiers: Orphanet 324, MedGen C0002986, MONDO:0010526, OMIM 301500, HP:0001071. Disease mechanism: loss of function, Fabry disease is due to inactivating mutations in the X-linked GLA gene resulting in deficiency of the enzyme Alpha Galactosidase-A..

Allele frequency attached by ClinVar (database versions not stated): TOPMed below 0.00001; ExAC 0.00001; gnomAD 0.00001; gnomAD exomes 0.00003; ESP Exome Variant Server 0.00019.
gnomAD v4.1: 35 of 1,209,708 alleles (0.0029%); highest among the groups gnomAD compares: Non-Finnish European, 0.0038%; no homozygotes.

Submissions (5):

Labcorp Genetics (formerly Invitae), Labcorp
Classification: Likely benign for Fabry disease. Last evaluated: 2025-01-16. Review status: criteria provided, single submitter. Criteria: Invitae Variant Classification Sherloc (09022015). Collection method: clinical testing. Allele origin: germline.

All of Us Research Program, National Institutes of Health
Classification: Likely benign for Fabry disease. Last evaluated: 2023-12-13. Review status: criteria provided, single submitter. Criteria: ACMG Guidelines, 2015. Collection method: clinical testing. Allele origin: germline. Inheritance: X-linked inheritance. Observed: 4 variant alleles, 4 heterozygotes.
Comment: This study involves interpretation of variants in research participants for the purpose of population health screening. Participant phenotype was not available at the time of variant classification. Additional details can be found in publication PMID: 35346344, PMCID: PMC8962531

Color Diagnostics, LLC DBA Color Health
Classification: Likely benign for Fabry disease. Last evaluated: 2022-11-06. Review status: criteria provided, single submitter. Criteria: ACMG Guidelines, 2015. Collection method: clinical testing. Allele origin: germline.

Ambry Genetics
Classification: Likely benign for Cardiovascular phenotype. Last evaluated: 2021-10-19. Review status: criteria provided, single submitter. Criteria: Ambry Variant Classification Scheme 2023. Collection method: clinical testing. Allele origin: germline.

GeneDx
Classification: Likely benign. Last evaluated: 2017-10-24. Review status: criteria provided, single submitter. Criteria: GeneDx Variant Classification (06012015). Collection method: clinical testing. Allele origin: germline. Affected: yes.
Comment: This variant is considered likely benign or benign based on one or more of the following criteria: it is a conservative change, it occurs at a poorly conserved position in the protein, it is predicted to be benign by multiple in silico algorithms, and/or has population frequency not consistent with disease.